The following is an entry in ClinVar:

NM_021098.3(CACNA1H):c.2002+164G>C

Gene: CACNA1H (calcium voltage-gated channel subunit alpha1 H; plus strand). Cytogenetic location: 16p13.3.
Variant type: single nucleotide variant.
Coding change: c.2002+164G>C on transcript NM_021098.3 (MANE Select); 164 bases into the intron after coding-DNA position 2002, G replaced by C.
Molecular consequence: intron variant.
Genome position (GRCh38, 1-based): chr16:1,202,616, G>C. VCF-style: chr16-1202616-G-C. GRCh37 (hg19) VCF-style: chr16-1252616-G-C.
Other names: c.2002+164G>C (NM_001005407.2).
Identifiers: ClinVar variation 1683840 (VCV001683840.2), dbSNP rs116250967, ClinGen allele CA276652536.

ClinVar aggregate classification (germline): Likely benign (1 of 4 stars; one submission).

Allele frequency attached by ClinVar (database versions not stated): 1000 Genomes Project 30x 0.00359; gnomAD 0.00371 and 0.00403; 1000 Genomes Project 0.00379; TOPMed 0.00422.
gnomAD v4.1: 559 of 152,308 alleles (0.37%); highest among the groups gnomAD compares: African/African-American, 1.3%; 3 homozygotes.

Submission:

GeneDx
Classification: Likely benign. Last evaluated: 2021-10-27. Review status: criteria provided, single submitter. Criteria: GeneDx Variant Classification Process June 2021. Collection method: clinical testing. Allele origin: germline. Affected: yes.
Comment: See Variant Classification Assertion Criteria.